The following is an entry in ClinVar:

ClinVar aggregate classification (germline): Uncertain significance. Review status: criteria provided, multiple submitters, no conflicts (2 of 4 stars). 6 submissions from 6 submitters: Uncertain significance (5). 1 of the submissions does not count toward it. Last evaluated 2025-06-25.

Conditions:
Hereditary cancer-predisposing syndrome. Also called: Tumor predisposition; Neoplastic Syndromes, Hereditary; Hereditary Cancer Syndrome; Hereditary neoplastic syndrome. Identifiers: Orphanet 140162, MedGen C0027672, MeSH D009386, MONDO:0015356.
Fanconi anemia (FA). Also called: Fanconi's anemia. Identifiers: Orphanet 84, MedGen C0015625, MeSH D005199, MONDO:0019391.

Allele frequency attached by ClinVar (database versions not stated): TOPMed 0.00002; gnomAD 0.00002; gnomAD exomes 0.00003.
gnomAD v4.1: 14 of 1,613,954 alleles (0.00087%); highest among the groups gnomAD compares: Admixed American, 0.012%; no homozygotes.

Submissions (6):

Quest Diagnostics Nichols Institute San Juan Capistrano
Classification: Uncertain significance. Last evaluated: 2025-06-25. Review status: criteria provided, single submitter. Criteria: Quest Diagnostics criteria. Collection method: clinical testing. Allele origin: unknown.
Comment: The FANCC c.1024C>G (p.Pro342Ala) variant has been reported in the published literature in an individual with metastatic castration resistant prostate cancer (PMD: 28259476 (2017)). The frequency of this variant in the general population (Genome Aggregation Database) is uninformative in the assessment of its pathogenicity. Analysis of this variant using bioinformatics tools for the prediction of the effect of amino acid changes on protein structure and function yielded predictions that this variant is damaging. Based on the available information, we are unable to determine the clinical significance of this variant.

Women's Health and Genetics/Laboratory Corporation of America, LabCorp
Classification: Uncertain significance. Last evaluated: 2025-02-17. Review status: criteria provided, single submitter. Criteria: LabCorp Variant Classification Summary - May 2015. Collection method: clinical testing. Allele origin: germline.
Comment: Variant summary: FANCC c.1024C>G (p.Pro342Ala) results in a non-conservative amino acid change in the encoded protein sequence. Four of five in-silico tools predict a damaging effect of the variant on protein function. The variant allele was found at a frequency of 2.8e-05 in 251212 control chromosomes. The available data on variant occurrences in the general population are insufficient to allow any conclusion about variant significance. To our knowledge, no occurrence of c.1024C>G in individuals affected with Fanconi Anemia Group C and no experimental evidence demonstrating its impact on protein function have been reported. ClinVar contains an entry for this variant (Variation ID: 216280). Based on the evidence outlined above, the variant was classified as uncertain significance.

Ambry Genetics
Classification: Uncertain significance for Hereditary cancer-predisposing syndrome. Last evaluated: 2024-12-04. Review status: criteria provided, single submitter. Criteria: Ambry Variant Classification Scheme 2023. Collection method: clinical testing. Allele origin: germline.
Comment: The p.P342A variant (also known as c.1024C>G), located in coding exon 10 of the FANCC gene, results from a C to G substitution at nucleotide position 1024. The proline at codon 342 is replaced by alanine, an amino acid with highly similar properties. This amino acid position is highly conserved in available vertebrate species. In addition, this alteration is predicted to be deleterious by in silico analysis. Based on the available evidence, the clinical significance of this variant remains unclear.

GeneDx
Classification: Uncertain significance. Last evaluated: 2024-08-13. Review status: criteria provided, single submitter. Criteria: GeneDx Variant Classification Process June 2021. Collection method: clinical testing. Allele origin: germline.
Comment: In silico analysis supports that this missense variant has a deleterious effect on protein structure/function; Has not been previously published as pathogenic or benign to our knowledge; This variant is associated with the following publications: (PMID: Gordon2000[Book])

Labcorp Genetics (formerly Invitae), Labcorp
Classification: Uncertain significance for Fanconi anemia. Last evaluated: 2024-02-09. Review status: criteria provided, single submitter. Criteria: Invitae Variant Classification Sherloc (09022015). Collection method: clinical testing. Allele origin: germline.
Comment: This sequence change replaces proline, which is neutral and non-polar, with alanine, which is neutral and non-polar, at codon 342 of the FANCC protein (p.Pro342Ala). This variant is present in population databases (no rsID available, gnomAD 0.02%). This variant has not been reported in the literature in individuals affected with FANCC-related conditions. ClinVar contains an entry for this variant (Variation ID: 216280). Advanced modeling of protein sequence and biophysical properties (such as structural, functional, and spatial information, amino acid conservation, physicochemical variation, residue mobility, and thermodynamic stability) performed at Invitae indicates that this missense variant is expected to disrupt FANCC protein function with a positive predictive value of 80%. In summary, the available evidence is currently insufficient to determine the role of this variant in disease. Therefore, it has been classified as a Variant of Uncertain Significance.

Natera, Inc.
Classification: Uncertain significance for Fanconi anemia. Last evaluated: 2017-11-21. Review status: no assertion criteria provided. Collection method: clinical testing. Allele origin: germline. Not counted in ClinVar's aggregate classification.

Literature cited by the submitters: PubMed 28259476 (cited by Quest Diagnostics Nichols Institute San Juan Capistrano).

NM_000136.3(FANCC):c.1024C>G (p.Pro342Ala)

Genes: AOPEP (aminopeptidase O (putative); plus strand), FANCC (FA complementation group C; minus strand). Cytogenetic location: 9q22.32.
Variant type: single nucleotide variant.
Coding change: c.1024C>G on transcript NM_000136.3 (MANE Select); coding-DNA position 1024, C replaced by G.
Protein change: p.Pro342Ala; replaces proline 342 with alanine.
Molecular consequence: missense variant.
Genome position (GRCh38, 1-based): chr9:95,117,363, G>C on the plus strand (C>G on the coding strand, the complement: FANCC is on the minus strand). VCF-style: chr9-95117363-G-C. GRCh37 (hg19) VCF-style: chr9-97879645-G-C.
Other names: c.1024C>G, p.Pro342Ala (NM_001243743.2, NM_001243744.2); short protein forms P342A.
Identifiers: ClinVar variation 216280 (VCV000216280.17), dbSNP rs863224606, ClinGen allele CA338360.